The following is an entry in ClinVar:

NM_001267550.2(TTN):c.93603C>T (p.Phe31201=)

Genes: TTN (titin; minus strand), TTN-AS1 (TTN antisense RNA 1; plus strand). Cytogenetic location: 2q31.2.
Variant type: single nucleotide variant.
Coding change: c.93603C>T on transcript NM_001267550.2 (MANE Select); coding-DNA position 93603, C replaced by T.
Protein change: p.Phe31201=; no amino-acid change (phenylalanine 31201 retained).
Molecular consequence: synonymous variant.
Genome position (GRCh38, 1-based): chr2:178,548,023, G>A on the plus strand (C>T on the coding strand, the complement: TTN is on the minus strand). VCF-style: chr2-178548023-G-A. GRCh37 (hg19) VCF-style: chr2-179412750-G-A.
Other names: c.88680C>T, p.Phe29560= (NM_001256850.1); c.66408C>T, p.Phe22136= (NM_003319.4); c.85899C>T, p.Phe28633= (NM_133378.4); c.66783C>T, p.Phe22261= (NM_133432.3); c.66984C>T, p.Phe22328= (NM_133437.4).
Identifiers: ClinVar variation 1091327 (VCV001091327.14), dbSNP rs765759269, ClinGen allele CA1987275.

ClinVar aggregate classification (germline): Conflicting classifications of pathogenicity. Review status: criteria provided, conflicting classifications (1 of 4 stars). 4 submissions from 4 submitters: Uncertain significance (1); Likely benign (3). Last evaluated 2025-11-26.

Conditions:
Dilated cardiomyopathy 1G (CMD1G). Identifiers: Orphanet 154, MedGen C1858763, MONDO:0011400, OMIM 604145.
Autosomal recessive limb-girdle muscular dystrophy type 2J (LGMDR10). Also called: Limb-girdle muscular dystrophy, type 2J; MUSCULAR DYSTROPHY, LIMB-GIRDLE, AUTOSOMAL RECESSIVE 10. Identifiers: Orphanet 140922, MedGen C1837342, MONDO:0012127, OMIM 608807.
Cardiovascular phenotype. Identifiers: MedGen CN230736.
TTN-related disorder. Also called: TTN-related disorders; TTN-related condition; TTN-related disease.

Allele frequency attached by ClinVar (database versions not stated): gnomAD exomes 0.00001; ExAC 0.00002.
gnomAD v4.1: 27 of 1,613,704 alleles (0.0017%); highest among the groups gnomAD compares: Non-Finnish European, 0.0023%; no homozygotes.

Submissions (4):

PreventionGenetics, part of Exact Sciences
Classification: Likely benign for TTN-related condition. Last evaluated: 2025-11-26. Review status: criteria provided, single submitter. Criteria: ACMG Guidelines, 2015. Collection method: clinical testing. Allele origin: germline.
Comment: This variant is classified as likely benign based on ACMG/AMP sequence variant interpretation guidelines (Richards et al. 2015 PMID: 25741868, with internal and published modifications).

Labcorp Genetics (formerly Invitae), Labcorp
Classification: Likely benign for Dilated cardiomyopathy 1G; Autosomal recessive limb-girdle muscular dystrophy type 2J. Last evaluated: 2025-09-09. Review status: criteria provided, single submitter. Criteria: Invitae Variant Classification Sherloc (09022015). Collection method: clinical testing. Allele origin: germline.

Ambry Genetics
Classification: Likely benign for Cardiovascular phenotype. Last evaluated: 2023-05-08. Review status: criteria provided, single submitter. Criteria: Ambry Variant Classification Scheme 2023. Collection method: clinical testing. Allele origin: germline.

Revvity Omics, Revvity
Classification: Uncertain significance. Last evaluated: 2019-11-19. Review status: criteria provided, single submitter. Criteria: ACMG Guidelines, 2015. Collection method: clinical testing. Allele origin: germline.